The following is an entry in ClinVar:

ClinVar aggregate classification (germline): Uncertain significance. Review status: criteria provided, single submitter (1 of 4 stars). 2 submissions from 2 submitters: Uncertain significance (1). 1 of the submissions does not count toward it. Last evaluated 2021-09-01.

Conditions:
Glycogen storage disease, type II (IOPD). Also called: Glucosidase acid-1,4-alpha deficiency; Pompe Disease; CARDIOMEGALIA GLYCOGENICA DIFFUSA; GLYCOGENOSIS, GENERALIZED, CARDIAC FORM; GSD II; Glycogen storage disease type 2. Identifiers: Orphanet 365, MedGen C0017921, MONDO:0009290, OMIM 232300.

Allele frequency attached by ClinVar (database versions not stated): gnomAD exomes below 0.00001.
gnomAD v4.1: 4 of 1,593,220 alleles (0.00025%); highest among the groups gnomAD compares: Non-Finnish European, 0.00034%; no homozygotes.

Submissions (2):

Labcorp Genetics (formerly Invitae), Labcorp
Classification: Uncertain significance for Glycogen storage disease, type II. Last evaluated: 2021-09-01. Review status: criteria provided, single submitter. Criteria: Invitae Variant Classification Sherloc (09022015). Collection method: clinical testing. Allele origin: germline.
Comment: This sequence change replaces methionine with isoleucine at codon 439 of the GAA protein (p.Met439Ile). The methionine residue is weakly conserved and there is a small physicochemical difference between methionine and isoleucine. This variant is not present in population databases (ExAC no frequency). This variant has not been reported in the literature in individuals affected with GAA-related conditions. Algorithms developed to predict the effect of missense changes on protein structure and function output the following: SIFT: "Tolerated"; PolyPhen-2: "Benign"; Align-GVGD: "Class C0". The isoleucine amino acid residue is found in multiple mammalian species, which suggests that this missense change does not adversely affect protein function. This variant disrupts the p.Met439 amino acid residue in GAA. Other variant(s) that disrupt this residue have been determined to be pathogenic (PMID: 17092519, 19862843, 20202878, 23884227, 25213570, 29124014). This suggests that this residue is clinically significant, and that variants that disrupt this residue are likely to be disease-causing. In summary, the available evidence is currently insufficient to determine the role of this variant in disease. Therefore, it has been classified as a Variant of Uncertain Significance.

Natera, Inc.
Classification: Uncertain significance for Glycogen storage disease type II. Last evaluated: 2021-04-27. Review status: no assertion criteria provided. Collection method: clinical testing. Allele origin: germline. Not counted in ClinVar's aggregate classification.

Literature cited by the submitters: PubMed 17092519 (cited by Labcorp Genetics (formerly Invitae), Labcorp); PubMed 19862843 (cited by Labcorp Genetics (formerly Invitae), Labcorp); PubMed 20202878 (cited by Labcorp Genetics (formerly Invitae), Labcorp); PubMed 23884227 (cited by Labcorp Genetics (formerly Invitae), Labcorp); PubMed 25213570 (cited by Labcorp Genetics (formerly Invitae), Labcorp); PubMed 29124014 (cited by Labcorp Genetics (formerly Invitae), Labcorp).

NM_000152.5(GAA):c.1317G>A (p.Met439Ile)

Gene: GAA (alpha glucosidase; plus strand). Cytogenetic location: 17q25.3.
Variant type: single nucleotide variant.
Coding change: c.1317G>A on transcript NM_000152.5 (MANE Select); coding-DNA position 1317, G replaced by A.
Protein change: p.Met439Ile; replaces methionine 439 with isoleucine.
Molecular consequence: missense variant.
Genome position (GRCh38, 1-based): chr17:80,108,819, G>A. VCF-style: chr17-80108819-G-A. GRCh37 (hg19) VCF-style: chr17-78082618-G-A.
Other names: c.1317G>A, p.Met439Ile (NM_001079803.3, NM_001079804.3); short protein forms M439I.
Identifiers: ClinVar variation 857246 (VCV000857246.11), dbSNP rs991245388, ClinGen allele CA401365414.
Genomic context (GRCh38, chr17:80,108,819, plus strand): 5'-TGGCTTCCGGGACTTCCCGGCCATGGTGCAGGAGCTGCACCAGGGCGGCCGGCGCTACAT[G>A]ATGATCGTGGTGTGTGCCCCCACACTGTGGGTCTTTGGGAAGGGGGCCGCCCGGTGCCCA-3'
Protein context (NP_000143.2, residues 429-449): QELHQGGRRY[Met439Ile]MIVDPAISSS